The following is an entry in ClinVar:

NM_000245.4(MET):c.1682G>T (p.Cys561Phe)

Gene: MET (MET proto-oncogene, receptor tyrosine kinase; plus strand). Cytogenetic location: 7q31.2.
Variant type: single nucleotide variant.
Coding change: c.1682G>T on transcript NM_000245.4 (MANE Select); coding-DNA position 1682, G replaced by T.
Protein change: p.Cys561Phe; replaces cysteine 561 with phenylalanine.
Molecular consequence: missense variant.
Genome position (GRCh38, 1-based): chr7:116,741,006, G>T. VCF-style: chr7-116741006-G-T. GRCh37 (hg19) VCF-style: chr7-116381060-G-T.
Other names: c.1682G>T, p.Cys561Phe (NM_001127500.3, NM_001324401.3); c.392G>T, p.Cys131Phe (NM_001324402.2); short protein forms C561F, C131F.
Identifiers: ClinVar variation 4106784 (VCV004106784.1).
Genomic context (GRCh38, chr7:116,741,006, plus strand): 5'-GCCACGACAAATGTGTGCGATCGGAGGAATGCCTGAGCGGGACATGGACTCAACAGATCT[G>T]TCTGCCTGCAATCTACAAGGTAGGAATCTCTAACAGCTGGCATACATGTTTTTGTTTGGT-3'
Protein context (NP_000236.2, residues 551-571): CLSGTWTQQI[Cys561Phe]LPAIYKVFPN

ClinVar aggregate classification (germline): Uncertain significance (1 of 4 stars; one submission).

Conditions:
Hereditary cancer-predisposing syndrome. Also called: Tumor predisposition; Neoplastic Syndromes, Hereditary; Hereditary neoplastic syndrome; Hereditary Cancer Syndrome. Identifiers: Orphanet 140162, MedGen C0027672, MeSH D009386, MONDO:0015356.

Submission:

Ambry Genetics
Classification: Uncertain significance for Hereditary cancer-predisposing syndrome. Last evaluated: 2025-08-12. Review status: criteria provided, single submitter. Criteria: Ambry Variant Classification Scheme 2023. Collection method: clinical testing. Allele origin: germline.
Comment: The p.C561F variant (also known as c.1682G>T), located in coding exon 4 of the MET gene, results from a G to T substitution at nucleotide position 1682. The cysteine at codon 561 is replaced by phenylalanine, an amino acid with highly dissimilar properties. This amino acid position is conserved. In addition, this alteration is predicted to be deleterious by in silico analysis. Based on the available evidence, the clinical significance of this variant remains unclear.